The following is an entry in ClinVar:

NM_016038.4(SBDS):c.624+1G>C

Gene: SBDS (SBDS ribosome maturation factor; minus strand). Cytogenetic location: 7q11.21.
Variant type: single nucleotide variant.
Coding change: c.624+1G>C on transcript NM_016038.4 (MANE Select); the canonical splice donor site of the intron after coding-DNA position 624, G replaced by C.
Molecular consequence: splice donor variant.
Genome position (GRCh38, 1-based): chr7:66,991,136, C>G on the plus strand (G>C on the coding strand, the complement: SBDS is on the minus strand). VCF-style: chr7-66991136-C-G. GRCh37 (hg19) VCF-style: chr7-66456123-C-G.
Identifiers: ClinVar variation 21542 (VCV000021542.8), dbSNP rs113993997, ClinGen allele CA342203.

ClinVar aggregate classification (germline): Pathogenic. Review status: criteria provided, single submitter (1 of 4 stars). 2 submissions from 2 submitters: Pathogenic (1). 1 of the submissions does not count toward it. Last evaluated 2019-07-18.

Conditions:
Shwachman-Diamond syndrome 1 (SDS1). Also called: LIPOMATOSIS OF PANCREAS, CONGENITAL. Identifiers: MedGen C4692625, MONDO:0044204, OMIM 260400.

Submissions (2):

Genetic Services Laboratory, University of Chicago
Classification: Pathogenic. Last evaluated: 2019-07-18. Review status: criteria provided, single submitter. Criteria: ACMG Guidelines, 2015. Collection method: clinical testing. Allele origin: germline. Affected: yes.
Comment: DNA sequence analysis of the SBDS gene demonstrated a sequence change in the canonical splice donor site of intron 4, c.624+1G>C. This sequence change has been previously described in compound heterozygous state with the c.258+2T>C pathogenic sequence change in a patient with an atypical Schwachman-Bodian-Diamond syndrome phenotype, with low neutrophil count and mild to moderate thrombocytopenia but no apparent extrahaematological features of SBDS (PMID 21659346). The c.624+1G>C sequence change is absent from large population databases such as ExAC and gnomAD. This pathogenic sequence change is predicted to affect normal splicing of the SBDS gene and result in an abnormal protein.

GeneReviews
No classification provided. Condition: Shwachman-Diamond syndrome 1. Review status: no classification provided. Collection method: literature only. Allele origin: germline. Not counted in ClinVar's aggregate classification.